The following is an entry in ClinVar:

NM_007294.4(BRCA1):c.4354A>T (p.Lys1452Ter)

Gene: BRCA1 (BRCA1 DNA repair associated; minus strand). Cytogenetic location: 17q21.31.
Variant type: single nucleotide variant.
Coding change: c.4354A>T on transcript NM_007294.4 (MANE Select); coding-DNA position 4354, A replaced by T.
Protein change: p.Lys1452Ter; replaces lysine 1452 with a stop codon.
Molecular consequence: nonsense. On other transcripts: non-coding transcript variant (1).
Genome position (GRCh38, 1-based): chr17:43,082,407, T>A on the plus strand (A>T on the coding strand, the complement: BRCA1 is on the minus strand). VCF-style: chr17-43082407-T-A. GRCh37 (hg19) VCF-style: chr17-41234424-T-A.
Other names: p.K1452X:AAA>TAA; 4473A>T; c.4342A>T, p.Lys1448Ter (NM_001407647.1, NM_001407646.1); c.4231A>T, p.Lys1411Ter (NM_001407648.1, NM_001407668.1, NM_001407669.1 and 13 more transcripts); c.4228A>T, p.Lys1410Ter (NM_001407649.1, NM_001407670.1, NM_001407671.1 and 12 more transcripts); c.4354A>T, p.Lys1452Ter (NM_001407652.1, NM_001407603.1, NM_001407605.1 and 23 more transcripts); c.4276A>T, p.Lys1426Ter (NM_001407653.1, NM_001407654.1, NM_001407655.1 and 2 more transcripts); c.4273A>T, p.Lys1425Ter (NM_001407656.1, NM_001407661.1, NM_001407662.1 and 1 more transcripts); and 53 more; short protein forms K1452*, K1405*, K349*, K1364*, K1403*, K260*, K268*, K282*.
Identifiers: ClinVar variation 91628 (VCV000091628.14), dbSNP rs398122685, ClinGen allele CA002783.

ClinVar aggregate classification (germline): Pathogenic. Review status: reviewed by expert panel (3 of 4 stars). 6 submissions from 6 submitters: Pathogenic (1). 5 of the submissions do not count toward it. Last evaluated 2016-09-08.

Conditions:
Hereditary cancer-predisposing syndrome. Also called: Hereditary Cancer Syndrome; Hereditary neoplastic syndrome; Neoplastic Syndromes, Hereditary; Tumor predisposition. Identifiers: Orphanet 140162, MedGen C0027672, MeSH D009386, MONDO:0015356.
Breast-ovarian cancer, familial, susceptibility to, 1 (BROVCA1). Also called: BRCA1 Hereditary Breast and Ovarian Cancer; OVARIAN CANCER, SUSCEPTIBILITY TO. Identifiers: Orphanet 145, MedGen C2676676, MONDO:0011450, OMIM 604370. Disease mechanism: loss of function.
Hereditary breast ovarian cancer syndrome. Also called: BRCA1- and BRCA2-Associated Hereditary Breast and Ovarian Cancer; Hereditary breast and ovarian cancer syndrome; Hereditary breast and ovarian cancer syndrome (HBOC); Breast and ovarian cancer; Hereditary breast and/or ovarian cancer syndrome; Hereditary breast and ovarian cancer. Identifiers: Orphanet 145, MedGen C0677776, MeSH D061325, MONDO:0003582. Disease mechanism: loss of function.

Submissions (6):

Evidence-based Network for the Interpretation of Germline Mutant Alleles (ENIGMA)
Classification: Pathogenic for Breast-ovarian cancer, familial, susceptibility to, 1. Last evaluated: 2016-09-08. Review status: reviewed by expert panel. Criteria: ENIGMA BRCA1/2 Classification Criteria (2015). Collection method: curation. Allele origin: germline.
Comment: Variant allele predicted to encode a truncated non-functional protein.

Ambry Genetics
Classification: Pathogenic for Hereditary cancer-predisposing syndrome. Last evaluated: 2024-09-11. Review status: criteria provided, single submitter. Criteria: Ambry Variant Classification Scheme 2023. Collection method: clinical testing. Allele origin: germline. Not counted in ClinVar's aggregate classification.
Comment: The p.K1452* pathogenic mutation (also known as c.4354A>T), located in coding exon 11 of the BRCA1 gene, results from an A to T substitution at nucleotide position 4354. This changes the amino acid from a lysine to a stop codon within coding exon 11. This variant has been identified in multiple families diagnosed with breast and/or ovarian cancer (Rebbeck TR et al. Hum. Mutat. 2018 05;39:593-620; Copson ER et al. Lancet Oncol. 2018 02;19:169-180). This variant is considered to be rare based on population cohorts in the Genome Aggregation Database (gnomAD). In addition to the clinical data presented in the literature, this alteration is expected to result in loss of function by premature protein truncation or nonsense-mediated mRNA decay. As such, this alteration is interpreted as a disease-causing mutation.

Labcorp Genetics (formerly Invitae), Labcorp
Classification: Pathogenic for Hereditary breast ovarian cancer syndrome. Last evaluated: 2023-04-08. Review status: criteria provided, single submitter. Criteria: Invitae Variant Classification Sherloc (09022015). Collection method: clinical testing. Allele origin: germline. Not counted in ClinVar's aggregate classification.
Comment: This sequence change creates a premature translational stop signal (p.Lys1452*) in the BRCA1 gene. It is expected to result in an absent or disrupted protein product. Loss-of-function variants in BRCA1 are known to be pathogenic (PMID: 20104584). This variant is not present in population databases (gnomAD no frequency). For these reasons, this variant has been classified as Pathogenic. ClinVar contains an entry for this variant (Variation ID: 91628). This premature translational stop signal has been observed in individual(s) with a personal and/or family history of breast and/or ovarian cancer (PMID: 29446198).

GeneDx
Classification: Pathogenic. Last evaluated: 2017-11-28. Review status: criteria provided, single submitter. Criteria: GeneDx Variant Classification (06012015). Collection method: clinical testing. Allele origin: germline. Affected: yes. Not counted in ClinVar's aggregate classification.
Comment: This variant is denoted BRCA1 c.4354A>T at the cDNA level and p.Lys1452Ter (K1452X) at the protein level. The substitution creates a nonsense variant, which changes a Lysine to a premature stop codon (AAA>TAA), and is predicted to cause loss of normal protein function through either protein truncation or nonsense-mediated mRNA decay. This variant, also defined as BRCA1 4473A>T using alternate nomenclature, has not, to our knowledge, been reported in the literature. We consider it to be pathogenic.

Consortium of Investigators of Modifiers of BRCA1/2 (CIMBA), c/o University of Cambridge
Classification: Pathogenic for Breast-ovarian cancer, familial, susceptibility to, 1. Last evaluated: 2015-10-02. Review status: criteria provided, single submitter. Criteria: CIMBA Mutation Classification guidelines May 2016. Collection method: clinical testing. Allele origin: germline. Not counted in ClinVar's aggregate classification.

Sharing Clinical Reports Project (SCRP)
Classification: Pathogenic for Breast-ovarian cancer, familial 1. Last evaluated: 2007-09-04. Review status: no assertion criteria provided. Collection method: clinical testing. Allele origin: germline. Not counted in ClinVar's aggregate classification.

Literature cited by the submitters: PubMed 29337092 (cited by Ambry Genetics); PubMed 29446198 (cited by Ambry Genetics and Labcorp Genetics (formerly Invitae), Labcorp); PubMed 20104584 (cited by Labcorp Genetics (formerly Invitae), Labcorp).